The following is an entry in ClinVar:

NM_001321142.2(CIDEC):c.212G>A (p.Arg71Gln)

Gene: CIDEC (cell death inducing DFFA like effector c; minus strand). Cytogenetic location: 3p25.3.
Variant type: single nucleotide variant.
Coding change: c.212G>A on transcript NM_001321142.2 (MANE Select); coding-DNA position 212, G replaced by A.
Protein change: p.Arg71Gln; replaces arginine 71 with glutamine.
Molecular consequence: missense variant. On other transcripts: 5 prime UTR variant (2).
Genome position (GRCh38, 1-based): chr3:9,870,318, C>T on the plus strand (G>A on the coding strand, the complement: CIDEC is on the minus strand). VCF-style: chr3-9870318-C-T. GRCh37 (hg19) VCF-style: chr3-9912002-C-T.
Other names: p.Arg84Gln; c.242G>A, p.Arg81Gln (NM_001199551.2); c.212G>A, p.Arg71Gln (NM_001199552.2, NM_001378491.1, NM_022094.3); c.251G>A, p.Arg84Gln (NM_001199623.2); c.-11G>A (NM_001321143.2, NM_001321144.2); short protein forms R71Q, R81Q, R84Q.
Identifiers: ClinVar variation 2682827 (VCV002682827.2), dbSNP rs773671821, ClinGen allele CA2245673.

ClinVar aggregate classification (germline): Conflicting classifications of pathogenicity. Review status: criteria provided, conflicting classifications (1 of 4 stars). 2 submissions from 2 submitters: Uncertain significance (1); Likely benign (1). Last evaluated 2025-08-12.

Allele frequency attached by ClinVar (database versions not stated): gnomAD 0.00001; gnomAD exomes 0.00001; TOPMed 0.00001; ExAC 0.00002.
gnomAD v4.1: 15 of 1,613,262 alleles (0.00093%); highest among the groups gnomAD compares: Admixed American, 0.0017%; no homozygotes.

Submissions (2):

Ambry Genetics
Classification: Likely benign. Last evaluated: 2025-08-12. Review status: criteria provided, single submitter. Criteria: Ambry Variant Classification Scheme 2023. Collection method: clinical testing. Allele origin: germline.

Mayo Clinic Laboratories, Mayo Clinic
Classification: Uncertain significance. Last evaluated: 2022-11-08. Review status: criteria provided, single submitter. Criteria: ACMG Guidelines, 2015. Collection method: clinical testing. Allele origin: germline. Observed: 1 variant allele.
Comment: BP4, PM2